The following is an entry in ClinVar:

NM_001365951.3(KIF1B):c.1509G>A (p.Met503Ile)

Gene: KIF1B (kinesin family member 1B; plus strand). Cytogenetic location: 1p36.22.
Variant type: single nucleotide variant.
Coding change: c.1509G>A on transcript NM_001365951.3 (MANE Select); coding-DNA position 1509, G replaced by A.
Protein change: p.Met503Ile; replaces methionine 503 with isoleucine.
Molecular consequence: missense variant.
Genome position (GRCh38, 1-based): chr1:10,291,156, G>A. VCF-style: chr1-10291156-G-A. GRCh37 (hg19) VCF-style: chr1-10351214-G-A.
Other names: c.1509G>A, p.Met503Ile (NM_001365952.1); c.1371G>A, p.Met457Ile (NM_001365953.1, NM_015074.3, NM_183416.4); short protein forms M457I, M503I.
Identifiers: ClinVar variation 4543650 (VCV004543650.1).

ClinVar aggregate classification (germline): Uncertain significance (1 of 4 stars; one submission).

gnomAD v4.1: 13 of 1,605,122 alleles (0.00081%); highest among the groups gnomAD compares: Non-Finnish European, 0.0011%; no homozygotes.

Submission:

Ambry Genetics
Classification: Uncertain significance. Last evaluated: 2025-10-22. Review status: criteria provided, single submitter. Criteria: Ambry Variant Classification Scheme 2023. Collection method: clinical testing. Allele origin: germline.
Comment: The p.M457I variant (also known as c.1371G>A), located in coding exon 13 of the KIF1B gene, results from a G to A substitution at nucleotide position 1371. The methionine at codon 457 is replaced by isoleucine, an amino acid with highly similar properties. This amino acid position is conserved. In addition, the in silico prediction for this alteration is inconclusive. Based on the available evidence, the clinical significance of this variant remains unclear.